The following is an entry in ClinVar:

ClinVar aggregate classification (germline): Uncertain significance. Review status: criteria provided, multiple submitters, no conflicts (2 of 4 stars). 3 submissions from 3 submitters: Uncertain significance (3). Last evaluated 2026-04-12.

Conditions:
Fanconi anemia (FA). Also called: Fanconi's anemia. Identifiers: Orphanet 84, MedGen C0015625, MeSH D005199, MONDO:0019391.
Inborn genetic diseases. Identifiers: MedGen C0950123, MeSH D030342.

Submissions (3):

Ambry Genetics
Classification: Uncertain significance for Inborn genetic diseases. Last evaluated: 2026-04-12. Review status: criteria provided, single submitter. Criteria: Ambry Variant Classification Scheme 2023. Collection method: clinical testing. Allele origin: germline.
Comment: The p.C1183S variant (also known as c.3548G>C), located in coding exon 36 of the FANCA gene, results from a G to C substitution at nucleotide position 3548. The cysteine at codon 1183 is replaced by serine, an amino acid with dissimilar properties. This amino acid position is conserved. In addition, this alteration is predicted to be tolerated by in silico analysis. Based on the available evidence, the clinical significance of this variant remains unclear.

Labcorp Genetics (formerly Invitae), Labcorp
Classification: Uncertain significance for Fanconi anemia. Last evaluated: 2025-07-03. Review status: criteria provided, single submitter. Criteria: Invitae Variant Classification Sherloc (09022015). Collection method: clinical testing. Allele origin: germline.
Comment: This sequence change replaces cysteine, which is neutral and slightly polar, with serine, which is neutral and polar, at codon 1183 of the FANCA protein (p.Cys1183Ser). This variant is not present in population databases (gnomAD no frequency). This variant has not been reported in the literature in individuals affected with FANCA-related conditions. ClinVar contains an entry for this variant (Variation ID: 1172741). Invitae Evidence Modeling of protein sequence and biophysical properties (such as structural, functional, and spatial information, amino acid conservation, physicochemical variation, residue mobility, and thermodynamic stability) indicates that this missense variant is not expected to disrupt FANCA protein function with a negative predictive value of 95%. In summary, the available evidence is currently insufficient to determine the role of this variant in disease. Therefore, it has been classified as a Variant of Uncertain Significance.

St. Jude Molecular Pathology, St. Jude Children's Research Hospital
Classification: Uncertain significance for Fanconi anemia. Last evaluated: 2021-02-11. Review status: criteria provided, single submitter. Criteria: St. Jude Assertion Criteria 2020. Collection method: clinical testing. Allele origin: germline.
Comment: The FANCA c.3548G>C (p.Cys1183Ser) missense change is absent in gnomAD v2.1.1 (PM2_Supporting). Seven of seven in silico tools predict a benign effect of this variant on protein function (BP4), but these predictions have not been confirmed by functional studies. To our knowledge, this variant has not been reported in individuals with Fanconi anemia. In summary, this variant meets criteria to be classified as of uncertain significance based on the ACMG/AMP criteria: PM2_Supporting, BP4.

NM_000135.4(FANCA):c.3548G>C (p.Cys1183Ser)

Gene: FANCA (FA complementation group A; minus strand). Cytogenetic location: 16q24.3.
Variant type: single nucleotide variant.
Coding change: c.3548G>C on transcript NM_000135.4 (MANE Select); coding-DNA position 3548, G replaced by C.
Protein change: p.Cys1183Ser; replaces cysteine 1183 with serine.
Molecular consequence: missense variant.
Genome position (GRCh38, 1-based): chr16:89,745,037, C>G on the plus strand (G>C on the coding strand, the complement: FANCA is on the minus strand). VCF-style: chr16-89745037-C-G. GRCh37 (hg19) VCF-style: chr16-89811445-C-G.
Other names: c.3548G>C, p.Cys1183Ser (NM_001286167.3); short protein forms C1183S.
Identifiers: ClinVar variation 1172741 (VCV001172741.4), dbSNP rs2143088016, ClinGen allele CA397485727.